The following is an entry in ClinVar:

ClinVar aggregate classification (germline): Uncertain significance. Review status: criteria provided, multiple submitters, no conflicts (2 of 4 stars). 2 submissions from 2 submitters: Uncertain significance (2). Last evaluated 2026-07-06.

Conditions:
Bloom syndrome (BLM). Also called: Bloom-Torre-Machacek syndrome. Identifiers: Orphanet 125, MedGen C0005859, MONDO:0008876, OMIM 210900.
Hereditary cancer-predisposing syndrome. Also called: Hereditary Cancer Syndrome; Hereditary neoplastic syndrome; Neoplastic Syndromes, Hereditary; Tumor predisposition. Identifiers: Orphanet 140162, MedGen C0027672, MeSH D009386, MONDO:0015356.

Submissions (2):

Ambry Genetics
Classification: Uncertain significance for Hereditary cancer-predisposing syndrome. Last evaluated: 2026-07-06. Review status: criteria provided, single submitter. Criteria: Ambry Variant Classification Scheme 2023. Collection method: clinical testing. Allele origin: germline.
Comment: The p.K846N variant (also known as c.2538G>T), located in coding exon 11 of the BLM gene, results from a G to T substitution at nucleotide position 2538. The lysine at codon 846 is replaced by asparagine, an amino acid with similar properties. This amino acid position is conserved. In addition, this alteration is predicted to be tolerated by in silico analysis. Based on the available evidence, the clinical significance of this variant remains unclear.

Labcorp Genetics (formerly Invitae), Labcorp
Classification: Uncertain significance for Bloom syndrome. Last evaluated: 2025-12-23. Review status: criteria provided, single submitter. Criteria: Invitae Variant Classification Sherloc (09022015). Collection method: clinical testing. Allele origin: germline.
Comment: This sequence change replaces lysine, which is basic and polar, with asparagine, which is neutral and polar, at codon 846 of the BLM protein (p.Lys846Asn). This variant is not present in population databases (gnomAD no frequency). This variant has not been reported in the literature in individuals affected with BLM-related conditions. Invitae Evidence Modeling of protein sequence and biophysical properties (such as structural, functional, and spatial information, amino acid conservation, physicochemical variation, residue mobility, and thermodynamic stability) indicates that this missense variant is not expected to disrupt BLM protein function with a negative predictive value of 80%. In summary, the available evidence is currently insufficient to determine the role of this variant in disease. Therefore, it has been classified as a Variant of Uncertain Significance.

NM_000057.4(BLM):c.2538G>T (p.Lys846Asn)

Gene: BLM (BLM RecQ like helicase; plus strand). Cytogenetic location: 15q26.1.
Variant type: single nucleotide variant.
Coding change: c.2538G>T on transcript NM_000057.4 (MANE Select); coding-DNA position 2538, G replaced by T.
Protein change: p.Lys846Asn; replaces lysine 846 with asparagine.
Molecular consequence: missense variant.
Genome position (GRCh38, 1-based): chr15:90,769,569, G>T. VCF-style: chr15-90769569-G-T. GRCh37 (hg19) VCF-style: chr15-91312799-G-T.
Other names: c.2538G>T, p.Lys846Asn (NM_001287246.2, NM_001287247.2); c.1413G>T, p.Lys471Asn (NM_001287248.2); short protein forms K471N, K846N.
Identifiers: ClinVar variation 4805300 (VCV004805300.2).
Genomic context (GRCh38, chr15:90,769,569, plus strand): 5'-GATGGCTCTTACGGCCACAGCTAATCCCAGGGTACAGAAGGACATCCTGACTCAGCTGAA[G>T]ATTCTCAGACCTCAGGTGTAAGTTGTTGCACGTCACGTATTTGAGAACCCTGGGGCAGTG-3'
Protein context (NP_000048.1, residues 836-856): RVQKDILTQL[Lys846Asn]ILRPQVFSMS